The following is an entry in ClinVar:

ClinVar aggregate classification (germline): Uncertain significance. Review status: criteria provided, multiple submitters, no conflicts (2 of 4 stars). 2 submissions from 2 submitters: Uncertain significance (2). Last evaluated 2025-01-29.

Allele frequency attached by ClinVar (database versions not stated): gnomAD exomes below 0.00001; TOPMed below 0.00001; gnomAD 0.00001.
gnomAD v4.1: 4 of 1,614,028 alleles (0.00025%); highest among the groups gnomAD compares: African/African-American, 0.0027%; no homozygotes.

Submissions (2):

Labcorp Genetics (formerly Invitae), Labcorp
Classification: Uncertain significance. Last evaluated: 2025-01-29. Review status: criteria provided, single submitter. Criteria: Invitae Variant Classification Sherloc (09022015). Collection method: clinical testing. Allele origin: germline.
Comment: This sequence change replaces serine, which is neutral and polar, with cysteine, which is neutral and slightly polar, at codon 572 of the PRPF6 protein (p.Ser572Cys). This variant is present in population databases (no rsID available, gnomAD 0.007%). This variant has not been reported in the literature in individuals affected with PRPF6-related conditions. ClinVar contains an entry for this variant (Variation ID: 933800). Invitae Evidence Modeling of protein sequence and biophysical properties (such as structural, functional, and spatial information, amino acid conservation, physicochemical variation, residue mobility, and thermodynamic stability) indicates that this missense variant is not expected to disrupt PRPF6 protein function with a negative predictive value of 80%. In summary, the available evidence is currently insufficient to determine the role of this variant in disease. Therefore, it has been classified as a Variant of Uncertain Significance.

Blueprint Genetics
Classification: Uncertain significance. Last evaluated: 2021-06-17. Review status: criteria provided, single submitter. Criteria: ACMG Guidelines, 2015. Collection method: clinical testing. Allele origin: germline.

NM_012469.4(PRPF6):c.1714A>T (p.Ser572Cys)

Gene: PRPF6 (pre-mRNA processing factor 6; plus strand). Cytogenetic location: 20q13.33.
Variant type: single nucleotide variant.
Coding change: c.1714A>T on transcript NM_012469.4 (MANE Select); coding-DNA position 1714, A replaced by T.
Protein change: p.Ser572Cys; replaces serine 572 with cysteine.
Molecular consequence: missense variant.
Genome position (GRCh38, 1-based): chr20:64,022,823, A>T. VCF-style: chr20-64022823-A-T. GRCh37 (hg19) VCF-style: chr20-62654176-A-T.
Other names: short protein forms S572C.
Identifiers: ClinVar variation 933800 (VCV000933800.9), dbSNP rs1271387957, ClinGen allele CA409733463.